The following is an entry in ClinVar:

ClinVar aggregate classification (germline): Pathogenic (1 of 4 stars; one submission).

Conditions:
Developmental and epileptic encephalopathy. Identifiers: MedGen C5779964, MONDO:0100620.

Submission:

Labcorp Genetics (formerly Invitae), Labcorp
Classification: Pathogenic for Early infantile epileptic encephalopathy with suppression bursts. Last evaluated: 2018-08-30. Review status: criteria provided, single submitter. Criteria: Invitae Variant Classification Sherloc (09022015). Collection method: clinical testing. Allele origin: germline.
Comment: A gross deletion of the genomic region encompassing the full coding sequence of the KCNQ2 gene has been identified. The boundaries of this event are unknown as the deletion extends beyond the assayed region for this gene and therefore may encompass additional genes. Isolated whole-gene deletions of KCNQ2 have not been reported in the literature. However, larger copy number events that include this gene have been reportedÂ¬â€ in individuals affected with epilepsy and benign neonatal seizures (PMID: 24811917, 23360469, 19822871). Loss-of-function variants in KCNQ2 are known to be pathogenic (PMID: 14534157, 23692823, 25951140, 25959266, 26758118, 27779742). For these reasons, this variant has been classified as Pathogenic.

Literature cited by the submitters: PubMed 24811917; PubMed 23360469; PubMed 19822871.

NC_000020.11:g.(?_63406624)_(63472483_?)del

Genes: KCNQ2 (potassium voltage-gated channel subfamily Q member 2; minus strand), KCNQ2-AS1 (KCNQ2 antisense RNA 1; plus strand), LOC129391211 (MPRA-validated peak4316 silencer; plus strand), LOC125387319 (Sharpr-MPRA regulatory region 327; plus strand). Cytogenetic location: 20q13.33.
Variant type: Deletion.
Identifiers: ClinVar variation 641559 (VCV000641559.2).